The following is an entry in ClinVar:

ClinVar aggregate classification (germline): Likely benign. Review status: criteria provided, multiple submitters, no conflicts (2 of 4 stars). 3 submissions from 3 submitters: Likely benign (2). 1 of the submissions does not count toward it. Last evaluated 2025-04-01.

Conditions:
Developmental and epileptic encephalopathy, 53. Also called: Epileptic encephalopathy, early infantile, 53. Identifiers: MedGen C4479313, MONDO:0033362, OMIM 617389.
Early-onset Parkinson disease 20. Also called: PARKINSON DISEASE 20, AUTOSOMAL RECESSIVE EARLY-ONSET. Identifiers: Orphanet 391411, MedGen C3809824, MONDO:0014233, OMIM 615530.
SYNJ1-related disorder. Also called: SYNJ1-related condition.

Allele frequency attached by ClinVar (database versions not stated): gnomAD 0.00001.
gnomAD v4.1: 8 of 1,467,972 alleles (0.00054%); highest among the groups gnomAD compares: Middle Eastern, 0.018%; no homozygotes.

Submissions (3):

CeGaT Center for Human Genetics Tuebingen
Classification: Likely benign. Last evaluated: 2025-04-01. Review status: criteria provided, single submitter. Criteria: CeGaT Center For Human Genetics Tuebingen Variant Classification Criteria Version 2. Collection method: clinical testing. Allele origin: germline. Affected: yes. Observed: 2 variant alleles.
Comment: SYNJ1: BP4, BP7

Labcorp Genetics (formerly Invitae), Labcorp
Classification: Likely benign for Developmental and epileptic encephalopathy, 53; Early-onset Parkinson disease 20. Last evaluated: 2024-08-18. Review status: criteria provided, single submitter. Criteria: Invitae Variant Classification Sherloc (09022015). Collection method: clinical testing. Allele origin: germline.

PreventionGenetics, part of Exact Sciences
Classification: Likely benign for SYNJ1-related condition. Last evaluated: 2019-03-29. Review status: no assertion criteria provided. Collection method: clinical testing. Allele origin: germline. Not counted in ClinVar's aggregate classification.
Comment: This variant is classified as likely benign based on ACMG/AMP sequence variant interpretation guidelines (Richards et al. 2015 PMID: 25741868, with internal and published modifications).

NM_203446.3(SYNJ1):c.3270A>G (p.Pro1090=)

Gene: SYNJ1 (synaptojanin 1; minus strand). Cytogenetic location: 21q22.11.
Variant type: single nucleotide variant.
Coding change: c.3270A>G on transcript NM_203446.3 (MANE Select); coding-DNA position 3270, A replaced by G.
Protein change: p.Pro1090=; no amino-acid change (proline 1090 retained).
Molecular consequence: synonymous variant.
Genome position (GRCh38, 1-based): chr21:32,645,767, T>C on the plus strand (A>G on the coding strand, the complement: SYNJ1 is on the minus strand). VCF-style: chr21-32645767-T-C. GRCh37 (hg19) VCF-style: chr21-34018077-T-C.
Other names: c.3270A>G, p.Pro1090= (NM_001160302.2); c.3255A>G, p.Pro1085= (NM_001160306.2); c.3387A>G, p.Pro1129= (NM_003895.4); c.3387A>G (NM_003895.3).
Identifiers: ClinVar variation 1091449 (VCV001091449.34), dbSNP rs1299635688, ClinGen allele CA512144711.
Genomic context (GRCh38, chr21:32,645,767, plus strand): 5'-CGGCGGCGGCCGCTTGGGCTCCAAGGGCTGGGCGGGGTCTTTCTGCGGCAGCGGCGTTGC[T>C]GGCTGCGCGTCAATAGGAGAACCTAAAAAGCGCACAGGAGGTAAGAAGATCAGCTTCTAA-3'
Protein context (NP_982271.3, residues 1080-1100): SAQSSPIDAQ[Pro1090=]ATPLPQKDPA